The following is an entry in ClinVar:

ClinVar aggregate classification (germline): Uncertain significance. Review status: criteria provided, multiple submitters, no conflicts (2 of 4 stars). 2 submissions from 2 submitters: Uncertain significance (2). Last evaluated 2024-01-19.

Conditions:
Hereditary cancer-predisposing syndrome. Also called: Tumor predisposition; Hereditary neoplastic syndrome; Hereditary Cancer Syndrome; Neoplastic Syndromes, Hereditary. Identifiers: Orphanet 140162, MedGen C0027672, MeSH D009386, MONDO:0015356.
Familial adenomatous polyposis 1 (FAP1). Also called: FAMILIAL ADENOMATOUS POLYPOSIS 1, ATTENUATED; POLYPOSIS, ADENOMATOUS INTESTINAL. Identifiers: MedGen C2713442, MONDO:0021056, OMIM 175100. Disease mechanism: loss of function.

Allele frequency attached by ClinVar (database versions not stated): gnomAD exomes below 0.00001.
gnomAD v4.1: 1 of 1,614,034 alleles (0.000062%); highest among the groups gnomAD compares: Non-Finnish European, 0.000085%; no homozygotes.

Submissions (2):

Ambry Genetics
Classification: Uncertain significance for Hereditary cancer-predisposing syndrome. Last evaluated: 2024-01-19. Review status: criteria provided, single submitter. Criteria: Ambry Variant Classification Scheme 2023. Collection method: clinical testing. Allele origin: germline.
Comment: The p.T2495I variant (also known as c.7484C>T), located in coding exon 15 of the APC gene, results from a C to T substitution at nucleotide position 7484. The threonine at codon 2495 is replaced by isoleucine, an amino acid with similar properties. This amino acid position is conserved. In addition, in silico predictors for this gene do not accurately predict pathogenicity. Based on the available evidence, the clinical significance of this alteration remains unclear.

Labcorp Genetics (formerly Invitae), Labcorp
Classification: Uncertain significance for Familial adenomatous polyposis 1. Last evaluated: 2021-03-06. Review status: criteria provided, single submitter. Criteria: Invitae Variant Classification Sherloc (09022015). Collection method: clinical testing. Allele origin: germline.
Comment: In summary, the available evidence is currently insufficient to determine the role of this variant in disease. Therefore, it has been classified as a Variant of Uncertain Significance. Algorithms developed to predict the effect of missense changes on protein structure and function are either unavailable or do not agree on the potential impact of this missense change (SIFT: "Deleterious"; PolyPhen-2: "Benign"; Align-GVGD: "Class C0"). This variant has not been reported in the literature in individuals with APC-related conditions. This variant is not present in population databases (ExAC no frequency). This sequence change replaces threonine with isoleucine at codon 2495 of the APC protein (p.Thr2495Ile). The threonine residue is highly conserved and there is a moderate physicochemical difference between threonine and isoleucine.

NM_000038.6(APC):c.7484C>T (p.Thr2495Ile)

Gene: APC (APC regulator of Wnt signaling pathway; plus strand). Cytogenetic location: 5q22.2.
Variant type: single nucleotide variant.
Coding change: c.7484C>T on transcript NM_000038.6 (MANE Select); coding-DNA position 7484, C replaced by T.
Protein change: p.Thr2495Ile; replaces threonine 2495 with isoleucine.
Molecular consequence: missense variant.
Genome position (GRCh38, 1-based): chr5:112,843,078, C>T. VCF-style: chr5-112843078-C-T. GRCh37 (hg19) VCF-style: chr5-112178775-C-T.
Other names: c.7484C>T, p.Thr2495Ile (NM_001127510.3, NM_001354895.2); c.7430C>T, p.Thr2477Ile (NM_001127511.3); c.7538C>T, p.Thr2513Ile (NM_001354896.2); c.7514C>T, p.Thr2505Ile (NM_001354897.2); c.7409C>T, p.Thr2470Ile (NM_001354898.2); c.7400C>T, p.Thr2467Ile (NM_001354899.2); c.7361C>T, p.Thr2454Ile (NM_001354900.2); c.7307C>T, p.Thr2436Ile (NM_001354901.2); and 5 more; short protein forms T2335I, T2467I, T2505I, T2404I, T2477I, T2212I, T2369I, T2394I.
Identifiers: ClinVar variation 962652 (VCV000962652.12), dbSNP rs1766490452, ClinGen allele CA16037611.